The following is an entry in ClinVar:

ClinVar aggregate classification (germline): Likely benign (1 of 4 stars; one submission).

Allele frequency attached by ClinVar (database versions not stated): gnomAD 0.00001; ExAC 0.00002; TOPMed 0.00002.
gnomAD v4.1: 26 of 1,614,020 alleles (0.0016%); highest among the groups gnomAD compares: Non-Finnish European, 0.0022%; no homozygotes.

Submission:

CeGaT Center for Human Genetics Tuebingen
Classification: Likely benign. Last evaluated: 2023-12-01. Review status: criteria provided, single submitter. Criteria: CeGaT Center For Human Genetics Tuebingen Variant Classification Criteria Version 2. Collection method: clinical testing. Allele origin: germline. Affected: yes. Observed: 1 variant allele.
Comment: CELSR1: BP4

NM_001378328.1(CELSR1):c.5926C>A (p.Pro1976Thr)

Gene: CELSR1 (cadherin EGF LAG seven-pass G-type receptor 1; minus strand). Cytogenetic location: 22q13.31.
Variant type: single nucleotide variant.
Coding change: c.5926C>A on transcript NM_001378328.1 (MANE Select); coding-DNA position 5926, C replaced by A.
Protein change: p.Pro1976Thr; replaces proline 1976 with threonine.
Molecular consequence: missense variant.
Genome position (GRCh38, 1-based): chr22:46,394,180, G>T on the plus strand (C>A on the coding strand, the complement: CELSR1 is on the minus strand). VCF-style: chr22-46394180-G-T. GRCh37 (hg19) VCF-style: chr22-46790077-G-T.
Other names: c.5926C>A, p.Pro1976Thr (NM_014246.4); short protein forms P1976T.
Identifiers: ClinVar variation 3025710 (VCV003025710.22), dbSNP rs780129611, ClinGen allele CA10294031.